The following is an entry in ClinVar:

NM_003361.4(UMOD):c.1762C>T (p.Arg588Ter)

Gene: UMOD (uromodulin; minus strand). Cytogenetic location: 16p12.3.
Variant type: single nucleotide variant.
Coding change: c.1762C>T on transcript NM_003361.4 (MANE Select); coding-DNA position 1762, C replaced by T.
Protein change: p.Arg588Ter; replaces arginine 588 with a stop codon.
Molecular consequence: nonsense. On other transcripts: non-coding transcript variant (1).
Genome position (GRCh38, 1-based): chr16:20,336,706, G>A on the plus strand (C>T on the coding strand, the complement: UMOD is on the minus strand). VCF-style: chr16-20336706-G-A. GRCh37 (hg19) VCF-style: chr16-20348028-G-A.
Other names: c.1762C>T, p.Arg588Ter (NM_001008389.3, NM_001378232.1, NM_001378233.1); c.1861C>T, p.Arg621Ter (NM_001278614.2); c.1903C>T, p.Arg635Ter (NM_001378234.1, NM_001378235.1); short protein forms R621*, R635*, R588*.
Identifiers: ClinVar variation 1985985 (VCV001985985.4), dbSNP rs754879409, ClinGen allele CA7939028.

ClinVar aggregate classification (germline): Uncertain significance (1 of 4 stars; one submission).

Allele frequency attached by ClinVar (database versions not stated): ExAC 0.00001.
gnomAD v4.1: 19 of 1,614,062 alleles (0.0012%); highest among the groups gnomAD compares: Admixed American, 0.005%; no homozygotes.

Submission:

Labcorp Genetics (formerly Invitae), Labcorp
Classification: Uncertain significance. Last evaluated: 2022-09-15. Review status: criteria provided, single submitter. Criteria: Invitae Variant Classification Sherloc (09022015). Collection method: clinical testing. Allele origin: germline.
Comment: This sequence change creates a premature translational stop signal (p.Arg588*) in the UMOD gene. It is expected to result in an absent or disrupted protein product. However, the current clinical and genetic evidence is not sufficient to establish whether loss-of-function variants in UMOD cause disease. This variant is present in population databases (rs754879409, gnomAD 0.006%). In summary, the available evidence is currently insufficient to determine the role of this variant in disease. Therefore, it has been classified as a Variant of Uncertain Significance. This premature translational stop signal has been observed in individual(s) with vesicoureteral reflux (PMID: 34059960).

Literature cited by the submitters: PubMed 34059960.